The following is an entry in ClinVar:

NM_000318.3(PEX2):c.506G>A (p.Arg169His)

Gene: PEX2 (peroxisomal biogenesis factor 2; minus strand). Cytogenetic location: 8q21.13.
Variant type: single nucleotide variant.
Coding change: c.506G>A on transcript NM_000318.3 (MANE Select); coding-DNA position 506, G replaced by A.
Protein change: p.Arg169His; replaces arginine 169 with histidine.
Molecular consequence: missense variant.
Genome position (GRCh38, 1-based): chr8:76,983,673, C>T on the plus strand (G>A on the coding strand, the complement: PEX2 is on the minus strand). VCF-style: chr8-76983673-C-T. GRCh37 (hg19) VCF-style: chr8-77895909-C-T.
Other names: c.506G>A, p.Arg169His (NM_001079867.2, NM_001172086.2, NM_001172087.2); short protein forms R169H.
Identifiers: ClinVar variation 2197731 (VCV002197731.3), dbSNP rs564144139, ClinGen allele CA4788694.
Genomic context (GRCh38, chr8:76,983,673, plus strand): 5'-TCAAAGCCAACTTCACATATGTTTTGAGGCTTGCAAAATACAGAATGAATACCTAGGAGA[C>T]GTTCTGTCAAAGTTGCAAACTTTCCCCTCTGAAGGAAAATCAAAAAATTAATCAGCCCAC-3'
Protein context (NP_000309.2, residues 159-179): QRGKFATLTE[Arg169His]LLGIHSVFCK

ClinVar aggregate classification (germline): Uncertain significance. Review status: criteria provided, multiple submitters, no conflicts (2 of 4 stars). 2 submissions from 2 submitters: Uncertain significance (2). Last evaluated 2025-12-20.

Conditions:
Peroxisome biogenesis disorder 5A (Zellweger) (PBD5A). Identifiers: Orphanet 912, MedGen C3553940, MONDO:0013932, OMIM 614866.

Allele frequency attached by ClinVar (database versions not stated): ExAC 0.00001; TOPMed 0.00003; gnomAD 0.00004; gnomAD exomes 0.00004; 1000 Genomes Project 30x 0.00016; 1000 Genomes Project 0.00020.
gnomAD v4.1: 68 of 1,614,086 alleles (0.0042%); highest among the groups gnomAD compares: Admixed American, 0.02%; no homozygotes.

Submissions (2):

Labcorp Genetics (formerly Invitae), Labcorp
Classification: Uncertain significance for Peroxisome biogenesis disorder 5A (Zellweger). Last evaluated: 2025-12-20. Review status: criteria provided, single submitter. Criteria: Invitae Variant Classification Sherloc (09022015). Collection method: clinical testing. Allele origin: germline.
Comment: This sequence change replaces arginine, which is basic and polar, with histidine, which is basic and polar, at codon 169 of the PEX2 protein (p.Arg169His). This variant is present in population databases (rs564144139, gnomAD 0.02%). This variant has not been reported in the literature in individuals affected with PEX2-related conditions. ClinVar contains an entry for this variant (Variation ID: 2197731). Invitae Evidence Modeling of protein sequence and biophysical properties (such as structural, functional, and spatial information, amino acid conservation, physicochemical variation, residue mobility, and thermodynamic stability) indicates that this missense variant is expected to disrupt PEX2 protein function with a positive predictive value of 80%. In summary, the available evidence is currently insufficient to determine the role of this variant in disease. Therefore, it has been classified as a Variant of Uncertain Significance.

Blueprint Genetics
Classification: Uncertain significance. Last evaluated: 2022-07-19. Review status: criteria provided, single submitter. Criteria: ACMG Guidelines, 2015. Collection method: clinical testing. Allele origin: germline.